The following is an entry in ClinVar:

NM_001378454.1(ALMS1):c.4578_4579del (p.His1526fs)

Gene: ALMS1 (ALMS1 centrosome and basal body associated protein; plus strand). Cytogenetic location: 2p13.1.
Variant type: Deletion.
Coding change: c.4578_4579del on transcript NM_001378454.1 (MANE Select); coding-DNA positions 4578 to 4579, 2 bases deleted (TA; older notation c.4578_4579delTA).
Protein change: p.His1526fs; shifts the reading frame from histidine 1526.
Molecular consequence: frameshift variant.
Genome position (GRCh38, 1-based): chr2:73,451,105-73,451,106, TA deleted; deleting any 2 consecutive bases within chr2:73,451,104-73,451,106 gives the same sequence; the c. name uses the placement nearest the transcript's 3' end. VCF-style (leftmost placement, unchanged base first): chr2-73451103-CAT-C. GRCh37 (hg19) VCF-style: chr2-73678230-CAT-C.
Other names: c.4581_4582del, p.His1527fs (NM_015120.4); short protein forms H1526fs, H1527fs.
Identifiers: ClinVar variation 3645537 (VCV003645537.2).

ClinVar aggregate classification (germline): Pathogenic (1 of 4 stars; one submission).

Conditions:
Alstrom syndrome (ALMS). Identifiers: Orphanet 64, MedGen C0268425, MONDO:0008763, OMIM 203800.

Submission:

Labcorp Genetics (formerly Invitae), Labcorp
Classification: Pathogenic for Alstrom syndrome. Last evaluated: 2024-03-12. Review status: criteria provided, single submitter. Criteria: Invitae Variant Classification Sherloc (09022015). Collection method: clinical testing. Allele origin: germline.
Comment: This sequence change creates a premature translational stop signal (p.His1527Glnfs*15) in the ALMS1 gene. It is expected to result in an absent or disrupted protein product. Loss-of-function variants in ALMS1 are known to be pathogenic (PMID: 17594715). This variant is not present in population databases (gnomAD no frequency). This variant has not been reported in the literature in individuals affected with ALMS1-related conditions. For these reasons, this variant has been classified as Pathogenic.

Literature cited by the submitters: PubMed 17594715.